The following is an entry in ClinVar:

NM_000047.3(ARSL):c.23G>C (p.Cys8Ser)

Gene: ARSL (arylsulfatase L; minus strand). Cytogenetic location: Xp22.33.
Variant type: single nucleotide variant.
Coding change: c.23G>C on transcript NM_000047.3 (MANE Select); coding-DNA position 23, G replaced by C.
Protein change: p.Cys8Ser; replaces cysteine 8 with serine.
Molecular consequence: missense variant. On other transcripts: 5 prime UTR variant (2).
Genome position (GRCh38, 1-based): chrX:2,960,378, C>G on the plus strand (G>C on the coding strand, the complement: ARSL is on the minus strand). VCF-style: chrX-2960378-C-G. GRCh37 (hg19) VCF-style: chrX-2878419-C-G.
Other names: c.-189G>C (NM_001282628.2, NM_001369080.1); c.23G>C, p.Trp8Ser (NM_001282631.2); c.50G>C, p.Cys17Ser (NM_001369079.1); short protein forms C8S, W8S, C17S.
Identifiers: ClinVar variation 383365 (VCV000383365.11), dbSNP rs1057521599, ClinGen allele CA16608880.

ClinVar aggregate classification (germline): Uncertain significance. Review status: criteria provided, multiple submitters, no conflicts (2 of 4 stars). 2 submissions from 2 submitters: Uncertain significance (2). Last evaluated 2022-06-20.

Conditions:
Chondrodysplasia punctata, brachytelephalangic, autosomal. Also called: BRACHYTELEPHALANGIC CHONDRODYSPLASIA PUNCTATA. Identifiers: MedGen C1844853, MONDO:0011238, OMIM 602497.
X-linked chondrodysplasia punctata 1 (CDPX1). Also called: Chondrodysplasia punctata, X-linked recessive; CHONDRODYSPLASIA PUNCTATA, BRACHYTELEPHALANGIC. Identifiers: Orphanet 79345, MedGen C3669395, MONDO:0010555, OMIM 302950.

Allele frequency attached by ClinVar (database versions not stated): TOPMed 0.00002; gnomAD 0.00003; gnomAD exomes 0.00003 and 0.00002.
gnomAD v4.1: 38 of 1,173,549 alleles (0.0032%); highest among the groups gnomAD compares: Non-Finnish European, 0.0041%; no homozygotes.

Submissions (2):

Labcorp Genetics (formerly Invitae), Labcorp
Classification: Uncertain significance for Chondrodysplasia punctata, brachytelephalangic, autosomal. Last evaluated: 2022-06-20. Review status: criteria provided, single submitter. Criteria: Invitae Variant Classification Sherloc (09022015). Collection method: clinical testing. Allele origin: germline.
Comment: This sequence change replaces cysteine, which is neutral and slightly polar, with serine, which is neutral and polar, at codon 8 of the ARSE protein (p.Cys8Ser). This variant also falls at the last nucleotide of exon 2, which is part of the consensus splice site for this exon. This variant is present in population databases (no rsID available, gnomAD 0.003%). This variant has not been reported in the literature in individuals affected with ARSE-related conditions. ClinVar contains an entry for this variant (Variation ID: 383365). Algorithms developed to predict the effect of missense changes on protein structure and function output the following: SIFT: "Tolerated"; PolyPhen-2: "Benign"; Align-GVGD: "Class C0". The serine amino acid residue is found in multiple mammalian species, which suggests that this missense change does not adversely affect protein function. Variants that disrupt the consensus splice site are a relatively common cause of aberrant splicing (PMID: 17576681, 9536098). Algorithms developed to predict the effect of sequence changes on RNA splicing suggest that this variant may disrupt the consensus splice site. In summary, the available evidence is currently insufficient to determine the role of this variant in disease. Therefore, it has been classified as a Variant of Uncertain Significance.

GeneDx
Classification: Uncertain significance. Last evaluated: 2020-03-03. Review status: criteria provided, single submitter. Criteria: GeneDx Variant Classification Process June 2021. Collection method: clinical testing. Allele origin: germline. Affected: yes.
Comment: In silico analysis supports a deleterious effect on splicing; Has not been previously published as pathogenic or benign to our knowledge

Literature cited by the submitters: PubMed 17576681 (cited by Labcorp Genetics (formerly Invitae), Labcorp); PubMed 9536098 (cited by Labcorp Genetics (formerly Invitae), Labcorp).